The following is an entry in ClinVar:

NC_000017.11:g.(?_80108677)_(80113386_?)del

Gene: GAA (alpha glucosidase; plus strand). Cytogenetic location: 17q25.3.
Variant type: Deletion.
Identifiers: ClinVar variation 831500 (VCV000831500.1).

ClinVar aggregate classification (germline): Pathogenic (1 of 4 stars; one submission).

Conditions:
Glycogen storage disease, type II (IOPD). Also called: CARDIOMEGALIA GLYCOGENICA DIFFUSA; GLYCOGENOSIS, GENERALIZED, CARDIAC FORM; GSD II; POMPE DISEASE, INFANTILE-ONSET; GLYCOGEN STORAGE DISEASE II, INFANTILE-ONSET; ACID ALPHA-GLUCOSIDASE DEFICIENCY, INFANTILE-ONSET. Identifiers: Orphanet 365, MedGen C0017921, MONDO:0009290, OMIM 232300.

Submission:

Labcorp Genetics (formerly Invitae), Labcorp
Classification: Pathogenic for Glycogen storage disease, type II. Last evaluated: 2019-12-26. Review status: criteria provided, single submitter. Criteria: Invitae Variant Classification Sherloc (09022015). Collection method: clinical testing. Allele origin: germline.
Comment: This variant is an out-of-frame deletion of the genomic region encompassing exons 8-15 of the GAA gene. This is expected to create a premature translational stop signal and result in an absent or disrupted protein product. This variant has been observed in individual(s) with glycogen storage disease (PMID: 11854868, 29122469). In at least one individual the data is consistent with the variant being in trans (on the opposite chromosome) from a pathogenic variant. This variant is also known as IVS7-IVS15del in the literature. Loss-of-function variants in GAA are known to be pathogenic (PMID: 18425781, 22252923). For these reasons, this variant has been classified as Pathogenic.

Literature cited by the submitters: PubMed 11854868; PubMed 29122469.